The following is an entry in ClinVar:

NM_004385.5(VCAN):c.3204C>T (p.Gly1068=)

Gene: VCAN (versican; plus strand). Cytogenetic location: 5q14.3.
Variant type: single nucleotide variant.
Coding change: c.3204C>T on transcript NM_004385.5 (MANE Select); coding-DNA position 3204, C replaced by T.
Protein change: p.Gly1068=; no amino-acid change (glycine 1068 retained).
Molecular consequence: synonymous variant. On other transcripts: intron variant (2).
Genome position (GRCh38, 1-based): chr5:83,521,510, C>T. VCF-style: chr5-83521510-C-T. GRCh37 (hg19) VCF-style: chr5-82817329-C-T.
Other names: c.3204C>T, p.Gly1068= (NM_001164098.2); c.1042+9114C>T (NM_001164097.2, NM_001126336.3).
Identifiers: ClinVar variation 354416 (VCV000354416.10), dbSNP rs142805131, ClinGen allele CA3332977.

ClinVar aggregate classification (germline): Likely benign. Review status: criteria provided, multiple submitters, no conflicts (2 of 4 stars). 2 submissions from 2 submitters: Likely benign (2). Last evaluated 2025-02-03.

Conditions:
Vitreoretinopathy. Also called: Vitreoretinal degeneration. Identifiers: MedGen C0344290, MONDO:0020248, HP:0007773.

Allele frequency attached by ClinVar (database versions not stated): gnomAD 0.00001; ExAC 0.00002; ESP Exome Variant Server 0.00008.
gnomAD v4.1: 54 of 1,613,824 alleles (0.0033%); highest among the groups gnomAD compares: South Asian, 0.0088%; no homozygotes.

Submissions (2):

Labcorp Genetics (formerly Invitae), Labcorp
Classification: Likely benign. Last evaluated: 2025-02-03. Review status: criteria provided, single submitter. Criteria: Invitae Variant Classification Sherloc (09022015). Collection method: clinical testing. Allele origin: germline.

Illumina Laboratory Services, Illumina
Classification: Likely benign for Vitreoretinopathy. Last evaluated: 2018-01-13. Review status: criteria provided, single submitter. Criteria: ICSL Variant Classification Criteria 13 December 2019. Collection method: clinical testing. Allele origin: germline.
Comment: This variant was observed in the ICSL laboratory as part of a predisposition screen in an ostensibly healthy population. It had not been previously curated by ICSL or reported in the Human Gene Mutation Database (HGMD: prior to June 1st, 2018), and was therefore a candidate for classification through an automated scoring system. Utilizing variant allele frequency, disease prevalence and penetrance estimates, and inheritance mode, an automated score was calculated to assess if this variant is too frequent to cause the disease. Based on the score and internal cut-off values, a variant classified as likely benign is not then subjected to further curation. The score for this variant resulted in a classification of likely benign for this disease.